The following is an entry in ClinVar:

ClinVar aggregate classification (germline): Uncertain significance (1 of 4 stars; one submission).

Conditions:
Fanconi anemia (FA). Also called: Fanconi's anemia. Identifiers: Orphanet 84, MedGen C0015625, MeSH D005199, MONDO:0019391.

Allele frequency attached by ClinVar (database versions not stated): gnomAD exomes below 0.00001.
gnomAD v4.1: 2 of 1,613,812 alleles (0.00012%); highest among the groups gnomAD compares: East Asian, 0.0022%; no homozygotes.

Submission:

Labcorp Genetics (formerly Invitae), Labcorp
Classification: Uncertain significance for Fanconi anemia. Last evaluated: 2023-06-17. Review status: criteria provided, single submitter. Criteria: Invitae Variant Classification Sherloc (09022015). Collection method: clinical testing. Allele origin: germline.
Comment: In summary, the available evidence is currently insufficient to determine the role of this variant in disease. Therefore, it has been classified as a Variant of Uncertain Significance. Algorithms developed to predict the effect of missense changes on protein structure and function output the following: SIFT: "Not Available"; PolyPhen-2: "Benign"; Align-GVGD: "Not Available". The cysteine amino acid residue is found in multiple mammalian species, which suggests that this missense change does not adversely affect protein function. This variant has not been reported in the literature in individuals affected with SLX4-related conditions. This variant is present in population databases (no rsID available, gnomAD 0.0009%). This sequence change replaces tyrosine, which is neutral and polar, with cysteine, which is neutral and slightly polar, at codon 255 of the SLX4 protein (p.Tyr255Cys).

NM_032444.4(SLX4):c.764A>G (p.Tyr255Cys)

Gene: SLX4 (SLX4 structure-specific endonuclease subunit; minus strand). Cytogenetic location: 16p13.3.
Variant type: single nucleotide variant.
Coding change: c.764A>G on transcript NM_032444.4 (MANE Select); coding-DNA position 764, A replaced by G.
Protein change: p.Tyr255Cys; replaces tyrosine 255 with cysteine.
Molecular consequence: missense variant.
Genome position (GRCh38, 1-based): chr16:3,602,304, T>C on the plus strand (A>G on the coding strand, the complement: SLX4 is on the minus strand). VCF-style: chr16-3602304-T-C. GRCh37 (hg19) VCF-style: chr16-3652305-T-C.
Other names: short protein forms Y255C.
Identifiers: ClinVar variation 2714734 (VCV002714734.3), dbSNP rs1239712670, ClinGen allele CA394532541.